The following is an entry in ClinVar:

ClinVar aggregate classification (germline): Conflicting classifications of pathogenicity. Review status: criteria provided, conflicting classifications (1 of 4 stars). 3 submissions from 3 submitters: Uncertain significance (2); Likely benign (1). Last evaluated 2024-10-22.

Conditions:
Tuberous sclerosis 2 (TSC2). Identifiers: Orphanet 805, MedGen C1860707, MONDO:0013199, OMIM 613254.
Tuberous sclerosis syndrome (TSC). Also called: Tuberous sclerosis; Tuberous Sclerosis Complex. Identifiers: Orphanet 805, MedGen C0041341, MONDO:0001734.

Allele frequency attached by ClinVar (database versions not stated): TOPMed 0.00001; ESP Exome Variant Server 0.00008.
gnomAD v4.1: 7 of 1,613,098 alleles (0.00043%); highest among the groups gnomAD compares: Non-Finnish European, 0.00059%; no homozygotes.

Submissions (3):

Labcorp Genetics (formerly Invitae), Labcorp
Classification: Likely benign for Tuberous sclerosis 2. Last evaluated: 2024-10-22. Review status: criteria provided, single submitter. Criteria: Invitae Variant Classification Sherloc (09022015). Collection method: clinical testing. Allele origin: germline.

Color Diagnostics, LLC DBA Color Health
Classification: Uncertain significance for Tuberous sclerosis syndrome. Last evaluated: 2024-01-04. Review status: criteria provided, single submitter. Criteria: ACMG Guidelines, 2015. Collection method: clinical testing. Allele origin: germline.
Comment: This variant causes a G to A nucleotide substitution at the +6 position of intron 11 of the TSC2 gene. Splice site prediction tools suggest that this variant may not impact RNA splicing. To our knowledge, functional studies have not been reported for this variant. This variant has not been reported in individuals affected with TSC2-related disorders in the literature. This variant has not been identified in the general population by the Genome Aggregation Database (gnomAD). The available evidence is insufficient to determine the role of this variant in disease conclusively. Therefore, this variant is classified as a Variant of Uncertain Significance.

All of Us Research Program, National Institutes of Health
Classification: Uncertain significance for Tuberous sclerosis syndrome. Last evaluated: 2023-11-10. Review status: criteria provided, single submitter. Criteria: ACMG Guidelines, 2015. Collection method: clinical testing. Allele origin: germline. Inheritance: Autosomal dominant inheritance. Observed: 1 variant allele, 1 heterozygote.
Comment: This variant causes a G to A nucleotide substitution at the +6 position of intron 11 of the TSC2 gene. Splice site prediction tools suggest that this variant may not impact RNA splicing. To our knowledge, functional studies have not been reported for this variant. This variant has not been reported in individuals affected with TSC2-related disorders in the literature. This variant has not been identified in the general population by the Genome Aggregation Database (gnomAD). The available evidence is insufficient to determine the role of this variant in disease conclusively. Therefore, this variant is classified as a Variant of Uncertain Significance.

This study involves interpretation of variants in research participants for the purpose of population health screening. Participant phenotype was not available at the time of variant classification. Additional details can be found in publication PMID: 35346344, PMCID: PMC8962531

NM_000548.5(TSC2):c.1119+6G>A

Gene: TSC2 (TSC complex subunit 2; plus strand). Cytogenetic location: 16p13.3.
Variant type: single nucleotide variant.
Coding change: c.1119+6G>A on transcript NM_000548.5 (MANE Select); 6 bases into the intron after coding-DNA position 1119, G replaced by A.
Molecular consequence: intron variant.
Genome position (GRCh38, 1-based): chr16:2,060,819, G>A. VCF-style: chr16-2060819-G-A. GRCh37 (hg19) VCF-style: chr16-2110820-G-A.
Other names: c.1119+6G>A (NM_001114382.3, NM_021055.3, NM_001370405.1 and 3 more transcripts); c.1008+6G>A (NM_001318827.2); c.519+6G>A (NM_001318831.2); c.972+6G>A (NM_001318829.2); c.1152+6G>A (NM_001318832.2).
Identifiers: ClinVar variation 655451 (VCV000655451.10), dbSNP rs397515305, ClinGen allele CA028385.